The following is an entry in ClinVar:

NM_001130144.3(LTBP3):c.3757G>A (p.Val1253Met)

Gene: LTBP3 (latent transforming growth factor beta binding protein 3; minus strand). Cytogenetic location: 11q13.1.
Variant type: single nucleotide variant.
Coding change: c.3757G>A on transcript NM_001130144.3 (MANE Select); coding-DNA position 3757, G replaced by A.
Protein change: p.Val1253Met; replaces valine 1253 with methionine.
Molecular consequence: missense variant.
Genome position (GRCh38, 1-based): chr11:65,539,331, C>T on the plus strand (G>A on the coding strand, the complement: LTBP3 is on the minus strand). VCF-style: chr11-65539331-C-T. GRCh37 (hg19) VCF-style: chr11-65306802-C-T.
Other names: c.3265G>A, p.Val1089Met (NM_001164266.1); c.3616G>A, p.Val1206Met (NM_021070.4); short protein forms V1206M, V1089M, V1253M.
Identifiers: ClinVar variation 2901380 (VCV002901380.3), dbSNP rs1481092255, ClinGen allele CA381266111.

ClinVar aggregate classification (germline): Uncertain significance (1 of 4 stars; one submission).

Conditions:
Brachyolmia-amelogenesis imperfecta syndrome. Also called: PLATYSPONDYLY WITH AMELOGENESIS IMPERFECTA; Tooth agenesis, selective, 6; Dental anomalies and short stature. Identifiers: Orphanet 2899, MedGen C1832594, MONDO:0011018, OMIM 601216. Disease mechanism: loss of function.

Allele frequency attached by ClinVar (database versions not stated): gnomAD exomes below 0.00001; TOPMed 0.00002.
gnomAD v4.1: 3 of 1,516,174 alleles (0.0002%); highest among the groups gnomAD compares: Admixed American, 0.0041%; no homozygotes.

Submission:

Labcorp Genetics (formerly Invitae), Labcorp
Classification: Uncertain significance for Brachyolmia-amelogenesis imperfecta syndrome. Last evaluated: 2025-07-14. Review status: criteria provided, single submitter. Criteria: Invitae Variant Classification Sherloc (09022015). Collection method: clinical testing. Allele origin: germline.
Comment: This sequence change replaces valine, which is neutral and non-polar, with methionine, which is neutral and non-polar, at codon 1253 of the LTBP3 protein (p.Val1253Met). The frequency data for this variant in the population databases is considered unreliable, as metrics indicate poor data quality at this position in the gnomAD database. This variant has not been reported in the literature in individuals affected with LTBP3-related conditions. ClinVar contains an entry for this variant (Variation ID: 2901380). An algorithm developed to predict the effect of missense changes on protein structure and function (PolyPhen-2) suggests that this variant is likely to be disruptive. In summary, the available evidence is currently insufficient to determine the role of this variant in disease. Therefore, it has been classified as a Variant of Uncertain Significance.